The following is an entry in ClinVar:

ClinVar aggregate classification (germline): Uncertain significance (1 of 4 stars; one submission).

Allele frequency attached by ClinVar (database versions not stated): gnomAD exomes below 0.00001.
gnomAD v4.1: 1 of 1,601,550 alleles (0.000062%); no homozygotes.

Submission:

Ambry Genetics
Classification: Uncertain significance. Last evaluated: 2023-08-22. Review status: criteria provided, single submitter. Criteria: Ambry Variant Classification Scheme 2023. Collection method: clinical testing. Allele origin: germline.
Comment: The p.I567T variant (also known as c.1700T>C), located in coding exon 13 of the RECQL gene, results from a T to C substitution at nucleotide position 1700. The isoleucine at codon 567 is replaced by threonine, an amino acid with similar properties. This amino acid position is highly conserved in available vertebrate species. In addition, the in silico prediction for this alteration is inconclusive. The evidence for this gene-disease relationship is limited; therefore, the clinical significance of this alteration is unclear.

NM_002907.4(RECQL):c.1700T>C (p.Ile567Thr)

Genes: PYROXD1 (pyridine nucleotide-disulphide oxidoreductase domain 1; plus strand), RECQL (RecQ like helicase; minus strand). Cytogenetic location: 12p12.1.
Variant type: single nucleotide variant.
Coding change: c.1700T>C on transcript NM_002907.4 (MANE Select); coding-DNA position 1700, T replaced by C.
Protein change: p.Ile567Thr; replaces isoleucine 567 with threonine.
Molecular consequence: missense variant. On other transcripts: 3 prime UTR variant (3).
Genome position (GRCh38, 1-based): chr12:21,471,066, A>G on the plus strand (T>C on the coding strand, the complement: RECQL is on the minus strand). VCF-style: chr12-21471066-A-G. GRCh37 (hg19) VCF-style: chr12-21624000-A-G.
Other names: c.1700T>C, p.Ile567Thr (NM_032941.3); c.*2312A>G (NM_001350912.2, NM_001350913.2, NM_024854.5); short protein forms I567T.
Identifiers: ClinVar variation 1778351 (VCV001778351.3), dbSNP rs1354693742, ClinGen allele CA384114675.
Genomic context (GRCh38, chr12:21,471,066, plus strand): 5'-GTAATAGCATGTGCCTCATTGTTCAGAAGATTAGCTTTAGGTCCTATTTTCAAATACGAA[A>G]TGGTAGCATAAGCTGTAAAACTGTAGTCTTCTCTGCAGAAAATAAAGGCCAACAATAAGA-3'
Protein context (NP_002898.2, residues 557-577): EDYSFTAYAT[Ile567Thr]SYLKIGPKAN